The following is an entry in ClinVar:

NM_004380.3(CREBBP):c.7281C>T (p.Val2427=)

Gene: CREBBP (CREB binding lysine acetyltransferase; minus strand). Cytogenetic location: 16p13.3.
Variant type: single nucleotide variant.
Coding change: c.7281C>T on transcript NM_004380.3 (MANE Select); coding-DNA position 7281, C replaced by T.
Protein change: p.Val2427=; no amino-acid change (valine 2427 retained).
Molecular consequence: synonymous variant.
Genome position (GRCh38, 1-based): chr16:3,727,766, G>A on the plus strand (C>T on the coding strand, the complement: CREBBP is on the minus strand). VCF-style: chr16-3727766-G-A. GRCh37 (hg19) VCF-style: chr16-3777767-G-A.
Other names: c.7281C>T (NM_004380.2); c.7167C>T, p.Val2389= (NM_001079846.1).
Identifiers: ClinVar variation 1980627 (VCV001980627.7), dbSNP rs764396354, ClinGen allele CA7868918.
Genomic context (GRCh38, chr16:3,727,766, plus strand): 5'-GCTCTCACAATGCTACAAGCCCTCCACAAACTTCTCTAGCGTGTCCCCCGTGGTGTCCCC[G>A]ACCAGGGACAGTTCGCTGGACAGCGCACTCCTGCTGGGGGTGTTCAGCTGGGGGAGCATT-3'
Protein context (NP_004371.2, residues 2417-2437): RSALSSELSL[Val2427=]GDTTGDTLEK

ClinVar aggregate classification (germline): Benign/Likely benign. Review status: criteria provided, multiple submitters, no conflicts (2 of 4 stars). 3 submissions from 3 submitters: Benign (1); Likely benign (1). 1 of the submissions does not count toward it. Last evaluated 2024-07-16.

Conditions:
CREBBP-related disorder. Also called: CREBBP-related condition; CREBBP-related disorders.
Rubinstein-Taybi syndrome (RSTS). Identifiers: Orphanet 783, MedGen C0035934, MONDO:0019188.

Allele frequency attached by ClinVar (database versions not stated): ExAC 0.00001.
gnomAD v4.1: 9 of 1,614,002 alleles (0.00056%); highest among the groups gnomAD compares: African/African-American, 0.0053%; no homozygotes.

Submissions (3):

Labcorp Genetics (formerly Invitae), Labcorp
Classification: Benign for Rubinstein-Taybi syndrome. Last evaluated: 2024-07-16. Review status: criteria provided, single submitter. Criteria: Invitae Variant Classification Sherloc (09022015). Collection method: clinical testing. Allele origin: germline.

Blueprint Genetics
Classification: Likely benign. Last evaluated: 2021-09-21. Review status: criteria provided, single submitter. Criteria: ACMG Guidelines, 2015. Collection method: clinical testing. Allele origin: germline.

PreventionGenetics, part of Exact Sciences
Classification: Likely benign for CREBBP-related condition. Last evaluated: 2022-08-08. Review status: no assertion criteria provided. Collection method: clinical testing. Allele origin: germline. Not counted in ClinVar's aggregate classification.
Comment: This variant is classified as likely benign based on ACMG/AMP sequence variant interpretation guidelines (Richards et al. 2015 PMID: 25741868, with internal and published modifications).